The following is an entry in ClinVar:

NM_002474.3(MYH11):c.444C>T (p.His148=)

Gene: MYH11 (myosin heavy chain 11; minus strand). Cytogenetic location: 16p13.11.
Variant type: single nucleotide variant.
Coding change: c.444C>T on transcript NM_002474.3 (MANE Select); coding-DNA position 444, C replaced by T.
Protein change: p.His148=; no amino-acid change (histidine 148 retained).
Molecular consequence: synonymous variant.
Genome position (GRCh38, 1-based): chr16:15,823,313, G>A on the plus strand (C>T on the coding strand, the complement: MYH11 is on the minus strand). VCF-style: chr16-15823313-G-A. GRCh37 (hg19) VCF-style: chr16-15917170-G-A.
Other names: c.444C>T, p.His148= (NM_001040113.2, NM_001040114.2, NM_022844.3).
Identifiers: ClinVar variation 439930 (VCV000439930.23), dbSNP rs569925780, ClinGen allele CA7923046.
Genomic context (GRCh38, chr16:15,823,313, plus strand): 5'-ACCTTGAAGCATGCTCCGGTAGGCCGTGTCTGCGATGGCGTAGATGTGAGGCGGCATCTC[G>A]TGCCTCTTCTTGCCCTTGTACATGTCGACGATCTTCTCCGAGTAGATGGGCAGGTGTTTA-3'
Protein context (NP_002465.1, residues 138-158): IVDMYKGKKR[His148=]EMPPHIYAIA

ClinVar aggregate classification (germline): Benign/Likely benign. Review status: criteria provided, multiple submitters, no conflicts (2 of 4 stars). 6 submissions from 6 submitters: Benign (1); Likely benign (5). Last evaluated 2025-10-01.

Conditions:
Familial thoracic aortic aneurysm and aortic dissection (TAAD). Also called: Thoracic aortic aneurysms and dissections. Identifiers: Orphanet 91387, MedGen C4707243, MONDO:0019625.
Aortic aneurysm, familial thoracic 4 (AAT4). Also called: AORTIC ANEURYSM/AORTIC DISSECTION AND PATENT DUCTUS ARTERIOSUS. Identifiers: MedGen C1851504, MONDO:0007568, OMIM 132900.

Allele frequency attached by ClinVar (database versions not stated): gnomAD 0.00003; TOPMed 0.00005; 1000 Genomes Project 30x 0.00016; 1000 Genomes Project 0.00020.
gnomAD v4.1: 34 of 1,614,166 alleles (0.0021%); highest among the groups gnomAD compares: Admixed American, 0.035%; no homozygotes.

Submissions (6):

Labcorp Genetics (formerly Invitae), Labcorp
Classification: Likely benign for Aortic aneurysm, familial thoracic 4. Last evaluated: 2025-10-01. Review status: criteria provided, single submitter. Criteria: Invitae Variant Classification Sherloc (09022015). Collection method: clinical testing. Allele origin: germline.

All of Us Research Program, National Institutes of Health
Classification: Likely benign for Familial thoracic aortic aneurysm and aortic dissection. Last evaluated: 2024-02-05. Review status: criteria provided, single submitter. Criteria: ACMG Guidelines, 2015. Collection method: clinical testing. Allele origin: germline. Inheritance: Autosomal dominant inheritance. Observed: 10 variant alleles, 10 heterozygotes.
Comment: This study involves interpretation of variants in research participants for the purpose of population health screening. Participant phenotype was not available at the time of variant classification. Additional details can be found in publication PMID: 35346344, PMCID: PMC8962531

GeneDx
Classification: Likely benign. Last evaluated: 2020-11-23. Review status: criteria provided, single submitter. Criteria: GeneDx Variant Classification Process June 2021. Collection method: clinical testing. Allele origin: germline. Affected: yes.

Ambry Genetics
Classification: Likely benign for Familial thoracic aortic aneurysm and aortic dissection. Last evaluated: 2019-10-26. Review status: criteria provided, single submitter. Criteria: Ambry Variant Classification Scheme 2023. Collection method: clinical testing. Allele origin: germline.

Color Diagnostics, LLC DBA Color Health
Classification: Likely benign for Familial thoracic aortic aneurysm and aortic dissection. Last evaluated: 2019-06-10. Review status: criteria provided, single submitter. Criteria: ACMG Guidelines, 2015. Collection method: clinical testing. Allele origin: germline.

ARUP Laboratories, Molecular Genetics and Genomics, ARUP Laboratories
Classification: Benign. Last evaluated: 2017-03-02. Review status: criteria provided, single submitter. Criteria: ARUP Molecular Germline Variant Investigation Process. Collection method: clinical testing. Allele origin: germline.